The following is an entry in ClinVar:

NM_001376013.1(EPB41):c.929G>A (p.Arg310Gln)

Gene: EPB41 (erythrocyte membrane protein band 4.1; plus strand). Cytogenetic location: 1p35.3.
Variant type: single nucleotide variant.
Coding change: c.929G>A on transcript NM_001376013.1 (MANE Select); coding-DNA position 929, G replaced by A.
Protein change: p.Arg310Gln; replaces arginine 310 with glutamine.
Molecular consequence: missense variant.
Genome position (GRCh38, 1-based): chr1:29,018,247, G>A. VCF-style: chr1-29018247-G-A. GRCh37 (hg19) VCF-style: chr1-29344759-G-A.
Other names: c.302G>A, p.Arg101Gln (NM_001376023.1, NM_001376024.1, NM_001376025.1 and 7 more transcripts); c.824G>A, p.Arg275Gln (NM_203343.3); c.929G>A, p.Arg310Gln (NM_001376021.1, NM_001166005.2, NM_001166006.2 and 7 more transcripts); short protein forms R310Q, R101Q, R275Q.
Identifiers: ClinVar variation 2975805 (VCV002975805.3), dbSNP rs577850620, ClinGen allele CA724379.
Genomic context (GRCh38, chr1:29,018,247, plus strand): 5'-TTGTTGCTGACATAACATTTTTCTCTTTTGGCTGTAGATATTATTTATGTCTTCAGCTTC[G>A]GCAGGACATAGTTGCAGGACGTCTGCCCTGTTCCTTTGCAACCTTAGCATTATTAGGTTC-3'
Protein context (NP_001362942.1, residues 300-320): ITRYYLCLQL[Arg310Gln]QDIVAGRLPC

ClinVar aggregate classification (germline): Uncertain significance (1 of 4 stars; one submission).

Allele frequency attached by ClinVar (database versions not stated): gnomAD 0.00001; gnomAD exomes 0.00001; TOPMed 0.00001; ExAC 0.00002; 1000 Genomes Project 30x 0.00016; 1000 Genomes Project 0.00020.
gnomAD v4.1: 22 of 1,613,402 alleles (0.0014%); highest among the groups gnomAD compares: South Asian, 0.016%; no homozygotes.

Submission:

Labcorp Genetics (formerly Invitae), Labcorp
Classification: Uncertain significance. Last evaluated: 2023-05-22. Review status: criteria provided, single submitter. Criteria: Invitae Variant Classification Sherloc (09022015). Collection method: clinical testing. Allele origin: germline.
Comment: In summary, the available evidence is currently insufficient to determine the role of this variant in disease. Therefore, it has been classified as a Variant of Uncertain Significance. This sequence change replaces arginine, which is basic and polar, with glutamine, which is neutral and polar, at codon 101 of the EPB41 protein (p.Arg101Gln). This variant is present in population databases (rs577850620, gnomAD 0.02%). This variant has not been reported in the literature in individuals affected with EPB41-related conditions. Advanced modeling of protein sequence and biophysical properties (such as structural, functional, and spatial information, amino acid conservation, physicochemical variation, residue mobility, and thermodynamic stability) performed at Invitae indicates that this missense variant is expected to disrupt EPB41 protein function.